The following is an entry in ClinVar:

NM_001618.4(PARP1):c.1148C>A (p.Ser383Tyr)

Gene: PARP1 (poly(ADP-ribose) polymerase 1; minus strand). Cytogenetic location: 1q42.12.
Variant type: single nucleotide variant.
Coding change: c.1148C>A on transcript NM_001618.4 (MANE Select); coding-DNA position 1148, C replaced by A.
Protein change: p.Ser383Tyr; replaces serine 383 with tyrosine.
Molecular consequence: missense variant.
Genome position (GRCh38, 1-based): chr1:226,383,047, G>T on the plus strand (C>A on the coding strand, the complement: PARP1 is on the minus strand). VCF-style: chr1-226383047-G-T. GRCh37 (hg19) VCF-style: chr1-226570748-G-T.
Other names: short protein forms S383Y.
Identifiers: ClinVar variation 3039691 (VCV003039691.2), dbSNP rs3219062, ClinGen allele CA1422920.

ClinVar aggregate classification (germline): Likely benign (0 of 4 stars; one submission).

Conditions:
PARP1-related disorder. Also called: PARP1-related condition.

Allele frequency attached by ClinVar (database versions not stated): 1000 Genomes Project 0.00040; TOPMed 0.00160; gnomAD 0.00161; ESP Exome Variant Server 0.00208; gnomAD exomes 0.00237.
gnomAD v4.1: 3,670 of 1,612,654 alleles (0.23%); highest among the groups gnomAD compares: Non-Finnish European, 0.29%; 8 homozygotes.

Submission:

PreventionGenetics, part of Exact Sciences
Classification: Likely benign for PARP1-related condition. Last evaluated: 2020-07-03. Review status: no assertion criteria provided. Collection method: clinical testing. Allele origin: germline.
Comment: This variant is classified as likely benign based on ACMG/AMP sequence variant interpretation guidelines (Richards et al. 2015 PMID: 25741868, with internal and published modifications).